The following is an entry in ClinVar:

ClinVar aggregate classification (germline): Likely pathogenic (1 of 4 stars; one submission).

Conditions:
Vascular malformation. Also called: Vascular malformations. Identifiers: MedGen C0158570, MONDO:0024291.

Submission:

Clinical Genomics Laboratory, Washington University in St. Louis
Classification: Likely pathogenic for Vascular malformation. Last evaluated: 2026-02-27. Review status: criteria provided, single submitter. Criteria: Leon-Quintero et al. (Clin Genet. 2025). Collection method: clinical testing. Allele origin: somatic. Affected: yes.
Comment: A KRAS c.189_190delinsCCAGTACATGAGGG (p.Glu63_Tyr64delinsAspGlnTyrMetArgAsp) variant was identified at an allelic fraction consistent with somatic origin. This exact variant, to our knowledge, has not been reported in the medical literature; however, many other similar somatic in-frame indels in this region of KRAS have been reported in affected individuals (Hou CYC et al., PMID: 36571464; Eijkelenboom A et al., PMID: 31160609; Nagai K et al., PMID: 34618388). It is absent from the general population (gnomAD v4.1.0), indicating it is not a common variant and resides within a region, the switch II domain, amino acids 60-76 of KRAS, that is defined as a critical functional domain (Hou CYC et al., PMID: 36571464). The KRAS c.189_190delinsCCAGTACATGAGGG (p.Glu63_Tyr64delinsAspGlnTyrMetArgAsp) variant is predicted to cause a change in the length of the protein due to the deletion of the glutamic acid and tyrosine amino acids at positions 63 and 64 that are then replaced by six other amino acids (AspGlnTyrMetArgAsp). Based on available information and an internally developed protocol informed by the ACMG/AMP guidelines for variant interpretation and gene-specific practices from the ClinGen Criteria Specification Registry (Leon-Quintero FZ et al., PMID: 39434542), the KRAS c.189_190delinsCCAGTACATGAGGG (p.Glu63_Tyr64delinsAspGlnTyrMetArgAsp) variant is classified as likely pathogenic.

NM_004985.5(KRAS):c.189_190delinsCCAGTACATGAGGG (p.Glu63_Tyr64delinsAspGlnTyrMetArgAsp)

Gene: KRAS (KRas proto-oncogene, GTPase; minus strand). Cytogenetic location: 12p12.1.
Variant type: Indel.
Coding change: c.189_190delinsCCAGTACATGAGGG on transcript NM_004985.5 (MANE Select); coding-DNA positions 189 to 190, GT replaced by CCAGTACATGAGGG.
Protein change: p.Glu63_Tyr64delinsAspGlnTyrMetArgAsp.
Molecular consequence: inframe indel.
Genome position (GRCh38, 1-based): chr12:25,227,334-25,227,335, AC replaced by CCCTCATGTACTGG on the plus strand (GT replaced by CCAGTACATGAGGG on the coding strand, the reverse complement: KRAS is on the minus strand). VCF-style: chr12-25227334-AC-CCCTCATGTACTGG. GRCh37 (hg19) VCF-style: chr12-25380268-AC-CCCTCATGTACTGG.
Other names: c.189_190delinsCCAGTACATGAGGG, p.Glu63_Tyr64delinsAspGlnTyrMetArgAsp (NM_001369786.1, NM_001369787.1, NM_033360.4).
Identifiers: ClinVar variation 4974569 (VCV004974569.1).